The following is an entry in ClinVar:

NM_001754.5(RUNX1):c.1275G>T (p.Pro425=)

Gene: RUNX1 (RUNX family transcription factor 1; minus strand). Cytogenetic location: 21q22.12.
Variant type: single nucleotide variant.
Coding change: c.1275G>T on transcript NM_001754.5 (MANE Select); coding-DNA position 1275, G replaced by T.
Protein change: p.Pro425=; no amino-acid change (proline 425 retained).
Molecular consequence: synonymous variant.
Genome position (GRCh38, 1-based): chr21:34,792,303, C>A on the plus strand (G>T on the coding strand, the complement: RUNX1 is on the minus strand). VCF-style: chr21-34792303-C-A. GRCh37 (hg19) VCF-style: chr21-36164600-C-A.
Other names: NM_001754.5(RUNX1):c.1275G>T; p.Pro425=; c.1194G>T, p.Pro398= (NM_001001890.3).
Identifiers: ClinVar variation 3347992 (VCV003347992.2).
Genomic context (GRCh38, chr21:34,792,303, plus strand): 5'-GCTGGGGTTGAGCAGCGCGGAGCCGGTGGAGGCGTTGGTGCAGGGCGGCAGGATGCGCGG[C>A]GGCGAGCGCTCGCCGCCCACCATGGAGAACTGGTAGGAGCCGGCCGAGGCGCCGTAGTAC-3'
Protein context (NP_001745.2, residues 415-435): QFSMVGGERS[Pro425=]PRILPPCTNA

ClinVar aggregate classification (germline): Likely benign. Review status: reviewed by expert panel (3 of 4 stars). 2 submissions from 2 submitters: Likely benign (1). 1 of the submissions does not count toward it. Last evaluated 2025-02-24.

Conditions:
RUNX1-related disorder. Also called: RUNX1-related condition.
Hereditary thrombocytopenia and hematological cancer predisposition syndrome associated with RUNX1. Also called: Familial Platelet Disorder with Propensity to Acute Myelogenous Leukemia; Familial thrombocytopenia with propensity to acute myelogenous leukemia; PLATELET DISORDER, ASPIRIN-LIKE; RUNX1 Familial Platelet Disorder with Associated Myeloid Malignancies. Identifiers: Orphanet 71290, MedGen C1832388, MeSH C563324, MONDO:0100083, OMIM 601399.

Submissions (2):

ClinGen Myeloid Malignancy Variant Curation Expert Panel
Classification: Likely benign for Hereditary thrombocytopenia and hematological cancer predisposition syndrome associated with RUNX1. Last evaluated: 2025-02-24. Review status: reviewed by expert panel. Criteria: ClinGen MyeloMalig ACMG Specifications v2. Collection method: curation. Allele origin: germline. Inheritance: Autosomal dominant inheritance.
Comment: NM_001754.5(RUNX1):c.1275G>T (p.Pro425=) is a synonymous variant which has a SpliceAI score ≤ 0.20 (0.0) (BP4). This variant has a SpliceAI score ≤ 0.20 (0.0) and evolutionary conservation prediction algorithms predict the site as not being conserved (PhyloP score ≤ 2.0 (-1.562) (BP7). This variant is completely absent from all population databases with at least 20x coverage for RUNX1 (PM2_supporting). In summary, this variant meets criteria to be classified as likely benign. ACMG/AMP criteria applied, as specified by the Myeloid Malignancy Variant Curation Expert Panel for RUNX1: PM2_supporting, BP4, BP7.

PreventionGenetics, part of Exact Sciences
Classification: Likely benign for RUNX1-related condition. Last evaluated: 2024-04-04. Review status: no assertion criteria provided. Collection method: clinical testing. Allele origin: germline. Not counted in ClinVar's aggregate classification.
Comment: This variant is classified as likely benign based on ACMG/AMP sequence variant interpretation guidelines (Richards et al. 2015 PMID: 25741868, with internal and published modifications).